The following is an entry in ClinVar:

NM_152564.5(VPS13B):c.365C>T (p.Pro122Leu)

Gene: VPS13B (vacuolar protein sorting 13 homolog B; plus strand). Cytogenetic location: 8q22.2.
Variant type: single nucleotide variant.
Coding change: c.365C>T on transcript NM_152564.5 (MANE Select); coding-DNA position 365, C replaced by T.
Protein change: p.Pro122Leu; replaces proline 122 with leucine.
Molecular consequence: missense variant. On other transcripts: non-coding transcript variant (1).
Genome position (GRCh38, 1-based): chr8:99,096,385, C>T. VCF-style: chr8-99096385-C-T. GRCh37 (hg19) VCF-style: chr8-100108613-C-T.
Other names: c.365C>T, p.Pro122Leu (NM_015243.3, NM_017890.5, NM_181661.3); c.365C>T (NM_152564.4); short protein forms P122L.
Identifiers: ClinVar variation 361036 (VCV000361036.30), dbSNP rs201723380, ClinGen allele CA4822353.
Genomic context (GRCh38, chr8:99,096,385, plus strand): 5'-GCTGTGGTTCTAATTCTACCAACCGTAGTACTGCTGAGAGCACAAAATCATCAATCAAAC[C>T]GCGGAGAATGCAGCAGGCTGCTCCTACAGATCCTGACTTACCACCAGGTAACTTCTAATG-3'
Protein context (NP_689777.3, residues 112-132): TAESTKSSIK[Pro122Leu]RRMQQAAPTD

ClinVar aggregate classification (germline): Conflicting classifications of pathogenicity. Review status: criteria provided, conflicting classifications (1 of 4 stars). 7 submissions from 7 submitters: Uncertain significance (5); Likely benign (2). Last evaluated 2026-07-22.

Conditions:
VPS13B-related disorder. Also called: VPS13B-related condition.
Inborn genetic diseases. Identifiers: MedGen C0950123, MeSH D030342.
Cohen syndrome (COH1). Also called: PEPPER SYNDROME; Cutis verticis gyrata, retinitis pigmentosa, and sensorineural deafness. Identifiers: Orphanet 193, MedGen C0265223, MONDO:0008999, OMIM 216550.

Allele frequency attached by ClinVar (database versions not stated): ESP Exome Variant Server 0.00008; TOPMed 0.00008; gnomAD 0.00013 and 0.00016; gnomAD exomes 0.00014 and 0.00032; ExAC 0.00041; 1000 Genomes Project 30x 0.00062; 1000 Genomes Project 0.00080.
gnomAD v4.1: 247 of 1,614,032 alleles (0.015%); highest among the groups gnomAD compares: Admixed American, 0.02%; 1 homozygote.

Submissions (7):

PreventionGenetics, part of Exact Sciences
Classification: Uncertain significance for VPS13B-related condition. Last evaluated: 2026-07-22. Review status: criteria provided, single submitter. Criteria: ACMG Guidelines, 2015. Collection method: clinical testing. Allele origin: germline.
Comment: The VPS13B c.365C>T variant is predicted to result in the amino acid substitution p.Pro122Leu. To our knowledge, this variant has not been reported in the literature. This variant is reported in 0.13% of alleles in individuals of European (Finnish) descent in gnomAD, including a homozygous individual. Although we suspect that this variant may be benign, at this time, the clinical significance of this variant is uncertain due to the absence of conclusive functional and genetic evidence.

Labcorp Genetics (formerly Invitae), Labcorp
Classification: Likely benign for Cohen syndrome. Last evaluated: 2025-12-20. Review status: criteria provided, single submitter. Criteria: Invitae Variant Classification Sherloc (09022015). Collection method: clinical testing. Allele origin: germline.

Blueprint Genetics
Classification: Likely benign. Last evaluated: 2024-10-30. Review status: criteria provided, single submitter. Criteria: ACMG Guidelines, 2015. Collection method: clinical testing. Allele origin: germline.

Department of Pathology and Laboratory Medicine, Sinai Health System
Classification: Uncertain significance for Cohen syndrome. Last evaluated: 2021-10-27. Review status: criteria provided, single submitter. Criteria: ACMG Guidelines, 2015. Collection method: research. Allele origin: germline.

Illumina Laboratory Services, Illumina
Classification: Uncertain significance for Cohen syndrome. Last evaluated: 2018-01-13. Review status: criteria provided, single submitter. Criteria: ICSL Variant Classification Criteria 13 December 2019. Collection method: clinical testing. Allele origin: germline.

Ambry Genetics
Classification: Uncertain significance for Inborn genetic diseases. Last evaluated: 2017-01-10. Review status: criteria provided, single submitter. Criteria: Ambry Variant Classification Scheme 2023. Collection method: clinical testing. Allele origin: germline.
Comment: The p.P122L variant (also known as c.365C>T), located in coding exon 3 of the VPS13B gene, results from a C to T substitution at nucleotide position 365. The proline at codon 122 is replaced by leucine, an amino acid with similar properties. This amino acid position is not well conserved in available vertebrate species. In addition, this alteration is predicted to be tolerated by in silico analysis. Since supporting evidence is limited at this time, the clinical significance of this alteration remains unclear.

Genetic Services Laboratory, University of Chicago
Classification: Uncertain significance. Last evaluated: 2015-12-17. Review status: criteria provided, single submitter. Criteria: ACMG Guidelines, 2015. Collection method: clinical testing. Allele origin: germline. Affected: no.